The following is an entry in ClinVar:

NM_003478.6(CUL5):c.1136A>T (p.Asp379Val)

Gene: CUL5 (cullin 5; plus strand). Cytogenetic location: 11q22.3.
Variant type: single nucleotide variant.
Coding change: c.1136A>T on transcript NM_003478.6 (MANE Select); coding-DNA position 1136, A replaced by T.
Protein change: p.Asp379Val; replaces aspartic acid 379 with valine.
Molecular consequence: missense variant.
Genome position (GRCh38, 1-based): chr11:108,078,198, A>T. VCF-style: chr11-108078198-A-T. GRCh37 (hg19) VCF-style: chr11-107948925-A-T.
Other names: short protein forms D379V.
Identifiers: ClinVar variation 4851702 (VCV004851702.1).

ClinVar aggregate classification (germline): Uncertain significance (1 of 4 stars; one submission).

Submission:

Greenwood Genetic Center Diagnostic Laboratories, Greenwood Genetic Center
Classification: Uncertain significance. Last evaluated: 2025-02-20. Review status: criteria provided, single submitter. Criteria: ACMG Guidelines, 2015. Collection method: clinical testing. Allele origin: germline.
Comment: Gene of Uncertain Significance